The following is an entry in ClinVar:

NM_001193315.2(VIPAS39):c.109C>T (p.Arg37Trp)

Gene: VIPAS39 (VPS33B interacting protein, apical-basolateral polarity regulator, spe-39 homolog; minus strand). Cytogenetic location: 14q24.3.
Variant type: single nucleotide variant.
Coding change: c.109C>T on transcript NM_001193315.2 (MANE Select); coding-DNA position 109, C replaced by T.
Protein change: p.Arg37Trp; replaces arginine 37 with tryptophan.
Molecular consequence: missense variant. On other transcripts: non-coding transcript variant (1).
Genome position (GRCh38, 1-based): chr14:77,453,386, G>A on the plus strand (C>T on the coding strand, the complement: VIPAS39 is on the minus strand). VCF-style: chr14-77453386-G-A. GRCh37 (hg19) VCF-style: chr14-77919729-G-A.
Other names: c.109C>T (NM_022067.3); c.109C>T, p.Arg37Trp (NM_001193317.2, NM_001400324.1, NM_001400325.1 and 15 more transcripts); short protein forms R37W.
Identifiers: ClinVar variation 3576833 (VCV003576833.2).

ClinVar aggregate classification (germline): Uncertain significance. Review status: criteria provided, multiple submitters, no conflicts (2 of 4 stars). 2 submissions from 2 submitters: Uncertain significance (2). Last evaluated 2025-12-29.

Conditions:
Arthrogryposis, renal dysfunction, and cholestasis 2 (ARCS2). Identifiers: Orphanet 2697, MedGen C3150672, MONDO:0013255, OMIM 613404.
VIPAS39-related disorder. Also called: VIPAS39-related condition.

gnomAD v4.1: 42 of 1,613,908 alleles (0.0026%); highest among the groups gnomAD compares: African/African-American, 0.004%; no homozygotes.

Submissions (2):

PreventionGenetics, part of Exact Sciences
Classification: Uncertain significance for VIPAS39-related condition. Last evaluated: 2025-12-29. Review status: criteria provided, single submitter. Criteria: ACMG Guidelines, 2015. Collection method: clinical testing. Allele origin: germline.
Comment: The VIPAS39 c.109C>T variant is predicted to result in the amino acid substitution p.Arg37Trp. This variant was reported as de novo in a patient with a developmental disorder, although detailed clinical and genetic information was not provided (patient DDD4K.00505, Table S2, Turner et al 2019. PubMed ID: 31785789). This variant is reported in 0.0040% of alleles in individuals of African descent in gnomAD. At this time, the clinical significance of this variant is uncertain due to the absence of conclusive functional and genetic evidence.

Fulgent Genetics
Classification: Uncertain significance for Arthrogryposis, renal dysfunction, and cholestasis 2. Last evaluated: 2024-04-22. Review status: criteria provided, single submitter. Criteria: ACMG Guidelines, 2015. Collection method: clinical testing. Allele origin: germline.